The following is an entry in ClinVar:

ClinVar aggregate classification (germline): Benign/Likely benign. Review status: criteria provided, multiple submitters, no conflicts (2 of 4 stars). 3 submissions from 3 submitters: Benign (1); Likely benign (2). Last evaluated 2025-10-06.

Conditions:
Familial cancer of breast. Also called: Hereditary breast cancer; hereditary breast carcinoma; BREAST CANCER, FAMILIAL. Identifiers: Orphanet 227535, MedGen C0346153, MONDO:0016419, OMIM 114480. Disease mechanism: loss of function.
Breast-ovarian cancer, familial, susceptibility to, 2 (BROVCA2). Also called: BRCA2 Hereditary Breast and Ovarian Cancer. Identifiers: Orphanet 145, MedGen C2675520, MONDO:0012933, OMIM 612555. Disease mechanism: loss of function.
Wilms tumor 1 (WT1). Also called: Wilms tumor, somatic. Identifiers: Orphanet 654, MedGen CN033288, MONDO:0008679, OMIM 194070.
Pancreatic cancer, susceptibility to, 2. Identifiers: Orphanet 1333, MedGen C3150546, MONDO:0013235, OMIM 613347.
Glioma susceptibility 3 (GLM3). Also called: Glioblastoma 3. Identifiers: Orphanet 182067, Orphanet 360, MedGen C2751641, MONDO:0013093, OMIM 613029.
Familial prostate cancer. Also called: Hereditary Prostate Cancer. Identifiers: MedGen C2931456, MONDO:0700275, OMIM 176807.
Fanconi anemia complementation group D1. Also called: BRCA2-Related Fanconi Anemia. Identifiers: Orphanet 319462, MedGen C1838457, MONDO:0011584, OMIM 605724.
Medulloblastoma (MDB). Also called: MEDULLOBLASTOMA PREDISPOSITION SYNDROME; Medulloblastoma, somatic. Identifiers: Orphanet 616, MedGen C0025149, MeSH D008527, MONDO:0007959, OMIM 155255, HP:0002885.
Hereditary breast ovarian cancer syndrome. Also called: Hereditary breast and ovarian cancer; Hereditary breast and ovarian cancer syndrome (HBOC); Hereditary breast and/or ovarian cancer syndrome; Hereditary breast and ovarian cancer syndrome; Breast and ovarian cancer; BRCA1- and BRCA2-Associated Hereditary Breast and Ovarian Cancer. Identifiers: Orphanet 145, MedGen C0677776, MeSH D061325, MONDO:0003582. Disease mechanism: loss of function.

Allele frequency attached by ClinVar (database versions not stated): gnomAD below 0.00001 and 0.00001; gnomAD exomes 0.00001 and 0.00002; TOPMed 0.00001; ExAC 0.00003.
gnomAD v4.1: 13 of 1,597,762 alleles (0.00081%); highest among the groups gnomAD compares: South Asian, 0.01%; no homozygotes.

Submissions (3):

Labcorp Genetics (formerly Invitae), Labcorp
Classification: Likely benign for Hereditary breast ovarian cancer syndrome. Last evaluated: 2025-10-06. Review status: criteria provided, single submitter. Criteria: Invitae Variant Classification Sherloc (09022015). Collection method: clinical testing. Allele origin: germline.

Department of Pathology and Laboratory Medicine, Sinai Health System
Classification: Likely benign for Familial cancer of breast; Medulloblastoma; Familial prostate cancer; Wilms tumor 1; Fanconi anemia complementation group D1; Breast-ovarian cancer, familial, susceptibility to, 2; Glioma susceptibility 3; Pancreatic cancer, susceptibility to, 2. Last evaluated: 2024-12-02. Review status: criteria provided, single submitter. Criteria: ACMG Guidelines, 2015. Collection method: clinical testing. Allele origin: germline.

GeneDx
Classification: Benign. Last evaluated: 2014-09-18. Review status: criteria provided, single submitter. Criteria: GeneDx Variant Classification (06012015). Collection method: clinical testing. Allele origin: germline. Affected: yes.
Comment: This variant is considered likely benign or benign based on one or more of the following criteria: it is a conservative change, it occurs at a poorly conserved position in the protein, it is predicted to be benign by multiple in silico algorithms, and/or has population frequency not consistent with disease.

NM_000059.4(BRCA2):c.9256+13A>G

Gene: BRCA2 (BRCA2 DNA repair associated; plus strand). Cytogenetic location: 13q13.1.
Variant type: single nucleotide variant.
Coding change: c.9256+13A>G on transcript NM_000059.4 (MANE Select); 13 bases into the intron after coding-DNA position 9256, A replaced by G.
Molecular consequence: intron variant.
Genome position (GRCh38, 1-based): chr13:32,380,158, A>G. VCF-style: chr13-32380158-A-G. GRCh37 (hg19) VCF-style: chr13-32954295-A-G.
Identifiers: ClinVar variation 182301 (VCV000182301.13), dbSNP rs730881597, ClinGen allele CA026056.